The following is an entry in ClinVar:

NM_014714.4(IFT140):c.1433G>A (p.Gly478Glu)

Genes: IFT140 (intraflagellar transport 140; minus strand), LOC105371046 (uncharacterized LOC105371046; plus strand). Cytogenetic location: 16p13.3.
Variant type: single nucleotide variant.
Coding change: c.1433G>A on transcript NM_014714.4 (MANE Select); coding-DNA position 1433, G replaced by A.
Protein change: p.Gly478Glu; replaces glycine 478 with glutamic acid.
Molecular consequence: missense variant.
Genome position (GRCh38, 1-based): chr16:1,580,850, C>T on the plus strand (G>A on the coding strand, the complement: IFT140 is on the minus strand). VCF-style: chr16-1580850-C-T. GRCh37 (hg19) VCF-style: chr16-1630851-C-T.
Other names: short protein forms G478E.
Identifiers: ClinVar variation 1053334 (VCV001053334.10), dbSNP rs1322686700, ClinGen allele CA394212475.

ClinVar aggregate classification (germline): Uncertain significance (1 of 4 stars; one submission).

Conditions:
Saldino-Mainzer syndrome (SRTD9). Also called: CONORENAL SYNDROME; Renal dysplasia, retinal pigmentary dystrophy, cerebellar ataxia and skeletal dysplasia; short-rib thoracic dysplasia 9 with or without polydactyly; SHORT-RIB THORACIC DYSPLASIA 9 WITHOUT POLYDACTYLY. Identifiers: Orphanet 140969, MedGen C1849437, MONDO:0009964, OMIM 266920.

Allele frequency attached by ClinVar (database versions not stated): gnomAD 0.00001; TOPMed 0.00001.
gnomAD v4.1: 3 of 1,610,660 alleles (0.00019%); highest among the groups gnomAD compares: African/African-American, 0.004%; no homozygotes.

Submission:

Labcorp Genetics (formerly Invitae), Labcorp
Classification: Uncertain significance for Saldino-Mainzer syndrome. Last evaluated: 2022-09-19. Review status: criteria provided, single submitter. Criteria: Invitae Variant Classification Sherloc (09022015). Collection method: clinical testing. Allele origin: germline.
Comment: In summary, the available evidence is currently insufficient to determine the role of this variant in disease. Therefore, it has been classified as a Variant of Uncertain Significance. Algorithms developed to predict the effect of sequence changes on RNA splicing suggest that this variant may create or strengthen a splice site. Algorithms developed to predict the effect of missense changes on protein structure and function are either unavailable or do not agree on the potential impact of this missense change (SIFT: "Tolerated"; PolyPhen-2: "Probably Damaging"; Align-GVGD: "Class C0"). ClinVar contains an entry for this variant (Variation ID: 1053334). This variant has not been reported in the literature in individuals affected with IFT140-related conditions. This variant is present in population databases (no rsID available, gnomAD 0.007%). This sequence change replaces glycine, which is neutral and non-polar, with glutamic acid, which is acidic and polar, at codon 478 of the IFT140 protein (p.Gly478Glu).